The following is an entry in ClinVar:

ClinVar aggregate classification (germline): Uncertain significance. Review status: criteria provided, multiple submitters, no conflicts (2 of 4 stars). 2 submissions from 2 submitters: Uncertain significance (2). Last evaluated 2024-01-03.

Conditions:
Inborn genetic diseases. Identifiers: MedGen C0950123, MeSH D030342.
Charcot-Marie-Tooth disease type 4. Also called: Charcot-Marie-Tooth, Type 4; Charcot-Marie-Tooth disease, type IV. Identifiers: Orphanet 64749, MedGen C4082197, MONDO:0018995.

Allele frequency attached by ClinVar (database versions not stated): gnomAD exomes below 0.00001; TOPMed 0.00001.
gnomAD v4.1: 10 of 1,614,090 alleles (0.00062%); highest among the groups gnomAD compares: African/African-American, 0.0013%; no homozygotes.

Submissions (2):

Ambry Genetics
Classification: Uncertain significance for Inborn genetic diseases. Last evaluated: 2024-01-03. Review status: criteria provided, single submitter. Criteria: Ambry Variant Classification Scheme 2023. Collection method: clinical testing. Allele origin: germline.

Labcorp Genetics (formerly Invitae), Labcorp
Classification: Uncertain significance for Charcot-Marie-Tooth disease type 4. Last evaluated: 2021-08-24. Review status: criteria provided, single submitter. Criteria: Invitae Variant Classification Sherloc (09022015). Collection method: clinical testing. Allele origin: germline.
Comment: This sequence change replaces proline with alanine at codon 1264 of the SH3TC2 protein (p.Pro1264Ala). The proline residue is highly conserved and there is a small physicochemical difference between proline and alanine. This variant is not present in population databases (ExAC no frequency). This variant has not been reported in the literature in individuals affected with SH3TC2-related conditions. Advanced modeling of protein sequence and biophysical properties (such as structural, functional, and spatial information, amino acid conservation, physicochemical variation, residue mobility, and thermodynamic stability) performed at Invitae indicates that this missense variant is not expected to disrupt SH3TC2 protein function. In summary, the available evidence is currently insufficient to determine the role of this variant in disease. Therefore, it has been classified as a Variant of Uncertain Significance.

NM_024577.4(SH3TC2):c.3790C>G (p.Pro1264Ala)

Gene: SH3TC2 (SH3 domain and tetratricopeptide repeats 2; minus strand). Cytogenetic location: 5q32.
Variant type: single nucleotide variant.
Coding change: c.3790C>G on transcript NM_024577.4 (MANE Select); coding-DNA position 3790, C replaced by G.
Protein change: p.Pro1264Ala; replaces proline 1264 with alanine.
Molecular consequence: missense variant.
Genome position (GRCh38, 1-based): chr5:149,004,788, G>C on the plus strand (C>G on the coding strand, the complement: SH3TC2 is on the minus strand). VCF-style: chr5-149004788-G-C. GRCh37 (hg19) VCF-style: chr5-148384351-G-C.
Other names: short protein forms P1264A.
Identifiers: ClinVar variation 1422297 (VCV001422297.7), dbSNP rs945895550, ClinGen allele CA128994727.